The following is an entry in ClinVar:

NM_014159.7(SETD2):c.7016C>G (p.Ala2339Gly)

Gene: SETD2 (SET domain containing 2, histone lysine methyltransferase; minus strand). Cytogenetic location: 3p21.31.
Variant type: single nucleotide variant.
Coding change: c.7016C>G on transcript NM_014159.7 (MANE Select); coding-DNA position 7016, C replaced by G.
Protein change: p.Ala2339Gly; replaces alanine 2339 with glycine.
Molecular consequence: missense variant. On other transcripts: non-coding transcript variant (1).
Genome position (GRCh38, 1-based): chr3:47,046,569, G>C on the plus strand (C>G on the coding strand, the complement: SETD2 is on the minus strand). VCF-style: chr3-47046569-G-C. GRCh37 (hg19) VCF-style: chr3-47088059-G-C.
Other names: c.6884C>G, p.Ala2295Gly (NM_001349370.3); short protein forms A2295G, A2339G.
Identifiers: ClinVar variation 3381412 (VCV003381412.1).
Genomic context (GRCh38, chr3:47,046,569, plus strand): 5'-CCTGGTGCAACTATTGTAGTCACTGCTGCGGCTGGCTGTACCACCACTCCTTGTGGATGA[G>C]CTGTGAAAATCTGTTGCCCCTGGATATACTGAAGACTTGGCTGGGCATAACTCTAAAAGA-3'
Protein context (NP_054878.5, residues 2329-2349): QYIQGQQIFT[Ala2339Gly]HPQGVVVQPA

ClinVar aggregate classification (germline): Uncertain significance (1 of 4 stars; one submission).

gnomAD v4.1: 1 of 1,613,352 alleles (0.000062%); highest among the groups gnomAD compares: African/African-American, 0.0013%; no homozygotes.

Submission:

GeneDx
Classification: Uncertain significance. Last evaluated: 2024-05-17. Review status: criteria provided, single submitter. Criteria: GeneDx Variant Classification Process June 2021. Collection method: clinical testing. Allele origin: germline. Affected: yes.
Comment: In silico analysis indicates that this missense variant does not alter protein structure/function; Has not been previously published as pathogenic or benign to our knowledge